The following is an entry in ClinVar:

NM_000535.7(PMS2):c.1524C>T (p.Ile508=)

Gene: PMS2 (PMS1 homolog 2, mismatch repair system component; minus strand). Cytogenetic location: 7p22.1.
Variant type: single nucleotide variant.
Coding change: c.1524C>T on transcript NM_000535.7 (MANE Select); coding-DNA position 1524, C replaced by T.
Protein change: p.Ile508=; no amino-acid change (isoleucine 508 retained).
Molecular consequence: synonymous variant. On other transcripts: non-coding transcript variant (1), intron variant (1).
Genome position (GRCh38, 1-based): chr7:5,987,241, G>A on the plus strand (C>T on the coding strand, the complement: PMS2 is on the minus strand). VCF-style: chr7-5987241-G-A. GRCh37 (hg19) VCF-style: chr7-6026872-G-A.
Other names: c.1119C>T, p.Ile373= (NM_001018040.1, NM_001322003.2, NM_001322004.2 and 17 more transcripts); c.1368C>T, p.Ile456= (NM_001322006.2, NM_001406870.1); c.1206C>T, p.Ile402= (NM_001322007.2, NM_001322008.2, NM_001406876.1 and 2 more transcripts); c.963C>T, p.Ile321= (NM_001322010.2, NM_001406906.1, NM_001406907.1); c.591C>T, p.Ile197= (NM_001322011.2, NM_001322012.2); c.951C>T, p.Ile317= (NM_001322013.2, NM_001406909.1); c.1524C>T, p.Ile508= (NM_001322014.2, NM_001406871.1, NM_001406872.1); c.1215C>T, p.Ile405= (NM_001322015.2, NM_001406875.1, NM_001406877.1 and 5 more transcripts); and 13 more.
Identifiers: ClinVar variation 1774498 (VCV001774498.6), dbSNP rs1783063185, ClinGen allele CA453747604.

ClinVar aggregate classification (germline): Benign/Likely benign. Review status: criteria provided, multiple submitters, no conflicts (2 of 4 stars). 3 submissions from 3 submitters: Benign (1); Likely benign (2). Last evaluated 2025-01-30.

Conditions:
Hereditary nonpolyposis colorectal neoplasms. Identifiers: MedGen C0009405, MeSH D003123.
Hereditary cancer-predisposing syndrome. Also called: Hereditary Cancer Syndrome; Hereditary neoplastic syndrome; Neoplastic Syndromes, Hereditary; Tumor predisposition. Identifiers: Orphanet 140162, MedGen C0027672, MeSH D009386, MONDO:0015356.
Lynch syndrome 4 (LYNCH4). Also called: Hereditary non-polyposis colorectal cancer, type 4; Colorectal cancer, hereditary nonpolyposis, type 4. Identifiers: Orphanet 144, MedGen C1838333, MONDO:0013699, OMIM 614337. Disease mechanism: loss of function.

Submissions (3):

Myriad Genetics, Inc.
Classification: Benign for Lynch syndrome 4. Last evaluated: 2025-01-30. Review status: criteria provided, single submitter. Criteria: Myriad Autosomal Dominant, Autosomal Recessive and X-Linked Classification Criteria (2023). Collection method: clinical testing. Allele origin: unknown.
Comment: This variant is considered benign. This variant is a silent/synonymous amino acid change and it is not expected to impact splicing.

Labcorp Genetics (formerly Invitae), Labcorp
Classification: Likely benign for Hereditary nonpolyposis colorectal neoplasms. Last evaluated: 2024-03-19. Review status: criteria provided, single submitter. Criteria: Invitae Variant Classification Sherloc (09022015). Collection method: clinical testing. Allele origin: germline.

Ambry Genetics
Classification: Likely benign for Hereditary cancer-predisposing syndrome. Last evaluated: 2015-11-25. Review status: criteria provided, single submitter. Criteria: Ambry Variant Classification Scheme 2023. Collection method: clinical testing. Allele origin: germline.